The following is an entry in ClinVar:

ClinVar aggregate classification (germline): Conflicting classifications of pathogenicity. Review status: criteria provided, conflicting classifications (1 of 4 stars). 7 submissions from 7 submitters: Uncertain significance (6); Likely benign (1). Last evaluated 2025-07-08.

Conditions:
Wilson disease (WND). Also called: Wilson's disease. Identifiers: Orphanet 905, MedGen C0019202, MONDO:0010200, OMIM 277900. Disease mechanism: loss of function.

Allele frequency attached by ClinVar (database versions not stated): gnomAD 0.00006; ExAC 0.00007; TOPMed 0.00007; ESP Exome Variant Server 0.00008; 1000 Genomes Project 30x 0.00016; 1000 Genomes Project 0.00020.
gnomAD v4.1: 62 of 1,614,196 alleles (0.0038%); highest among the groups gnomAD compares: Middle Eastern, 0.033%; no homozygotes.

Submissions (7):

Color Diagnostics, LLC DBA Color Health
Classification: Likely benign for Wilson disease. Last evaluated: 2025-07-08. Review status: criteria provided, single submitter. Criteria: ACMG Guidelines, 2015. Collection method: clinical testing. Allele origin: germline.

Blueprint Genetics
Classification: Uncertain significance. Last evaluated: 2024-08-27. Review status: criteria provided, single submitter. Criteria: ACMG Guidelines, 2015. Collection method: clinical testing. Allele origin: germline.

All of Us Research Program, National Institutes of Health
Classification: Uncertain significance for Wilson disease. Last evaluated: 2024-01-11. Review status: criteria provided, single submitter. Criteria: ACMG Guidelines, 2015. Collection method: clinical testing. Allele origin: germline. Inheritance: Autosomal recessive inheritance. Observed: 13 variant alleles, 13 heterozygotes.
Comment: This missense variant replaces isoleucine with valine at codon 222 of the ATP7B protein. Computational prediction suggests that this variant may not impact protein structure and function (internally defined REVEL score threshold <= 0.5, PMID: 27666373). To our knowledge, functional studies have not been reported for this variant. This variant has not been reported in individuals affected with ATP7B-related disorders in the literature. This variant has been identified in 16/280868 chromosomes in the general population by the Genome Aggregation Database (gnomAD). The available evidence is insufficient to determine the role of this variant in disease conclusively. Therefore, this variant is classified as a Variant of Uncertain Significance.

This study involves interpretation of variants in research participants for the purpose of population health screening. Participant phenotype was not available at the time of variant classification. Additional details can be found in publication PMID: 35346344, PMCID: PMC8962531

Labcorp Genetics (formerly Invitae), Labcorp
Classification: Uncertain significance for Wilson disease. Last evaluated: 2022-10-06. Review status: criteria provided, single submitter. Criteria: Invitae Variant Classification Sherloc (09022015). Collection method: clinical testing. Allele origin: germline.
Comment: This sequence change replaces isoleucine, which is neutral and non-polar, with valine, which is neutral and non-polar, at codon 222 of the ATP7B protein (p.Ile222Val). This variant is present in population databases (rs200866801, gnomAD 0.01%). This variant has not been reported in the literature in individuals affected with ATP7B-related conditions. ClinVar contains an entry for this variant (Variation ID: 807944). Advanced modeling of protein sequence and biophysical properties (such as structural, functional, and spatial information, amino acid conservation, physicochemical variation, residue mobility, and thermodynamic stability) performed at Invitae indicates that this missense variant is not expected to disrupt ATP7B protein function. In summary, the available evidence is currently insufficient to determine the role of this variant in disease. Therefore, it has been classified as a Variant of Uncertain Significance.

Fulgent Genetics
Classification: Uncertain significance for Wilson disease. Last evaluated: 2022-05-04. Review status: criteria provided, single submitter. Criteria: ACMG Guidelines, 2015. Collection method: clinical testing. Allele origin: unknown.

Genome-Nilou Lab
Classification: Uncertain significance for Wilson disease. Last evaluated: 2021-09-05. Review status: criteria provided, single submitter. Criteria: ACMG Guidelines, 2015. Collection method: clinical testing. Allele origin: germline. Affected: no.

Illumina Laboratory Services, Illumina
Classification: Uncertain significance for Wilson disease. Last evaluated: 2018-01-13. Review status: criteria provided, single submitter. Criteria: ICSL Variant Classification Criteria 13 December 2019. Collection method: clinical testing. Allele origin: germline.

NM_000053.4(ATP7B):c.664A>G (p.Ile222Val)

Gene: ATP7B (ATPase copper transporting beta; minus strand). Cytogenetic location: 13q14.3.
Variant type: single nucleotide variant.
Coding change: c.664A>G on transcript NM_000053.4 (MANE Select); coding-DNA position 664, A replaced by G.
Protein change: p.Ile222Val; replaces isoleucine 222 with valine.
Molecular consequence: missense variant.
Genome position (GRCh38, 1-based): chr13:51,974,556, T>C on the plus strand (A>G on the coding strand, the complement: ATP7B is on the minus strand). VCF-style: chr13-51974556-T-C. GRCh37 (hg19) VCF-style: chr13-52548692-T-C.
Other names: c.664A>G, p.Ile222Val (NM_001005918.3, NM_001243182.2, NM_001330578.2 and 1 more transcripts); short protein forms I222V.
Identifiers: ClinVar variation 807944 (VCV000807944.23), dbSNP rs200866801, ClinGen allele CA6989520.